The following is an entry in ClinVar:

NM_004360.5(CDH1):c.1589C>T (p.Ala530Val)

Gene: CDH1 (cadherin 1; plus strand). Cytogenetic location: 16q22.1.
Variant type: single nucleotide variant.
Coding change: c.1589C>T on transcript NM_004360.5 (MANE Select); coding-DNA position 1589, C replaced by T.
Protein change: p.Ala530Val; replaces alanine 530 with valine.
Molecular consequence: missense variant. On other transcripts: intron variant (1).
Genome position (GRCh38, 1-based): chr16:68,819,303, C>T. VCF-style: chr16-68819303-C-T. GRCh37 (hg19) VCF-style: chr16-68853206-C-T.
Other names: c.1406C>T, p.Ala469Val (NM_001317184.2); c.41C>T, p.Ala14Val (NM_001317185.2); c.-254-2698C>T (NM_001317186.2); c.1589C>T (NM_004360.3); short protein forms A14V, A530V, A469V.
Identifiers: ClinVar variation 927086 (VCV000927086.15), dbSNP rs1961073536, ClinGen allele CA396464916.

ClinVar aggregate classification (germline): Uncertain significance. Review status: criteria provided, multiple submitters, no conflicts (2 of 4 stars). 3 submissions from 3 submitters: Uncertain significance (3). Last evaluated 2025-09-27.

Conditions:
Hereditary cancer-predisposing syndrome. Also called: Tumor predisposition; Hereditary neoplastic syndrome; Neoplastic Syndromes, Hereditary; Hereditary Cancer Syndrome. Identifiers: Orphanet 140162, MedGen C0027672, MeSH D009386, MONDO:0015356.
Hereditary diffuse gastric adenocarcinoma (HDGC). Also called: DIFFUSE GASTRIC AND LOBULAR BREAST CANCER SYNDROME. Identifiers: Orphanet 26106, MedGen C1708349, MONDO:0007648, OMIM 137215.

Submissions (3):

Labcorp Genetics (formerly Invitae), Labcorp
Classification: Uncertain significance for Hereditary diffuse gastric adenocarcinoma. Last evaluated: 2025-09-27. Review status: criteria provided, single submitter. Criteria: Invitae Variant Classification Sherloc (09022015). Collection method: clinical testing. Allele origin: germline.
Comment: This sequence change replaces alanine, which is neutral and non-polar, with valine, which is neutral and non-polar, at codon 530 of the CDH1 protein (p.Ala530Val). This variant is not present in population databases (gnomAD no frequency). This variant has not been reported in the literature in individuals affected with CDH1-related conditions. ClinVar contains an entry for this variant (Variation ID: 927086). An algorithm developed to predict the effect of missense changes on protein structure and function (PolyPhen-2) suggests that this variant is likely to be disruptive. In summary, the available evidence is currently insufficient to determine the role of this variant in disease. Therefore, it has been classified as a Variant of Uncertain Significance.

Ambry Genetics
Classification: Uncertain significance for Hereditary cancer-predisposing syndrome. Last evaluated: 2023-08-29. Review status: criteria provided, single submitter. Criteria: Ambry Variant Classification Scheme 2023. Collection method: clinical testing. Allele origin: germline.
Comment: The p.A530V variant (also known as c.1589C>T), located in coding exon 11 of the CDH1 gene, results from a C to T substitution at nucleotide position 1589. The alanine at codon 530 is replaced by valine, an amino acid with similar properties. This amino acid position is conserved. In addition, the in silico prediction for this alteration is inconclusive. Since supporting evidence is limited at this time, the clinical significance of this alteration remains unclear.

Color Diagnostics, LLC DBA Color Health
Classification: Uncertain significance for Hereditary cancer-predisposing syndrome. Last evaluated: 2019-11-18. Review status: criteria provided, single submitter. Criteria: ACMG Guidelines, 2015. Collection method: clinical testing. Allele origin: germline.
Comment: This missense variant replaces alanine with valine at codon 530 of the CDH1 protein. Computational prediction suggests that this variant may not impact protein structure and function (internally defined REVEL score threshold <= 0.5, PMID: 27666373). Splice site prediction tools suggest that this variant may not impact RNA splicing. To our knowledge, functional studies have not been performed for this variant. This variant has not been reported in individuals affected with hereditary cancer in the literature. This variant has not been identified in the general population by the Genome Aggregation Database (gnomAD). The available evidence is insufficient to determine the role of this variant in disease conclusively. Therefore, this variant is classified as a Variant of Uncertain Significance.